The following is an entry in ClinVar:

NM_021831.6(AGBL5):c.362G>A (p.Arg121His)

Gene: AGBL5 (AGBL carboxypeptidase 5; plus strand). Cytogenetic location: 2p23.3.
Variant type: single nucleotide variant.
Coding change: c.362G>A on transcript NM_021831.6 (MANE Select); coding-DNA position 362, G replaced by A.
Protein change: p.Arg121His; replaces arginine 121 with histidine.
Molecular consequence: missense variant. On other transcripts: non-coding transcript variant (2).
Genome position (GRCh38, 1-based): chr2:27,053,548, G>A. VCF-style: chr2-27053548-G-A. GRCh37 (hg19) VCF-style: chr2-27276416-G-A.
Other names: c.362G>A, p.Arg121His (NM_001035507.3); short protein forms R121H.
Identifiers: ClinVar variation 958171 (VCV000958171.10), dbSNP rs769436105, ClinGen allele CA1567612.

ClinVar aggregate classification (germline): Uncertain significance. Review status: criteria provided, multiple submitters, no conflicts (2 of 4 stars). 2 submissions from 2 submitters: Uncertain significance (2). Last evaluated 2024-11-11.

Conditions:
Inborn genetic diseases. Identifiers: MedGen C0950123, MeSH D030342.

Allele frequency attached by ClinVar (database versions not stated): gnomAD exomes below 0.00001 and 0.00002; ExAC 0.00003; gnomAD 0.00003; TOPMed 0.00005.
gnomAD v4.1: 8 of 1,613,382 alleles (0.0005%); highest among the groups gnomAD compares: African/African-American, 0.0067%; no homozygotes.

Submissions (2):

Labcorp Genetics (formerly Invitae), Labcorp
Classification: Uncertain significance. Last evaluated: 2024-11-11. Review status: criteria provided, single submitter. Criteria: Invitae Variant Classification Sherloc (09022015). Collection method: clinical testing. Allele origin: germline.
Comment: This sequence change replaces arginine, which is basic and polar, with histidine, which is basic and polar, at codon 121 of the AGBL5 protein (p.Arg121His). This variant is present in population databases (rs769436105, gnomAD 0.01%). This variant has not been reported in the literature in individuals affected with AGBL5-related conditions. ClinVar contains an entry for this variant (Variation ID: 958171). An algorithm developed to predict the effect of missense changes on protein structure and function (PolyPhen-2) suggests that this variant is likely to be disruptive. In summary, the available evidence is currently insufficient to determine the role of this variant in disease. Therefore, it has been classified as a Variant of Uncertain Significance.

Ambry Genetics
Classification: Uncertain significance for Inborn genetic diseases. Last evaluated: 2024-07-02. Review status: criteria provided, single submitter. Criteria: Ambry Variant Classification Scheme 2023. Collection method: clinical testing. Allele origin: germline.